The following is an entry in ClinVar:

NM_031407.7(HUWE1):c.6685C>T (p.Pro2229Ser)

Gene: HUWE1 (HECT, UBA and WWE domain containing E3 ubiquitin protein ligase 1; minus strand). Cytogenetic location: Xp11.22.
Variant type: single nucleotide variant.
Coding change: c.6685C>T on transcript NM_031407.7 (MANE Select); coding-DNA position 6685, C replaced by T.
Protein change: p.Pro2229Ser; replaces proline 2229 with serine.
Molecular consequence: missense variant.
Genome position (GRCh38, 1-based): chrX:53,568,714, G>A on the plus strand (C>T on the coding strand, the complement: HUWE1 is on the minus strand). VCF-style: chrX-53568714-G-A. GRCh37 (hg19) VCF-style: chrX-53595674-G-A.
Other names: short protein forms P2229S.
Identifiers: ClinVar variation 3234053 (VCV003234053.1), dbSNP rs2524421018, ClinGen allele CA413163108.

ClinVar aggregate classification (germline): Uncertain significance (1 of 4 stars; one submission).

Conditions:
Intellectual developmental disorder, X-linked, syndromic, Turner type. Also called: X-linked intellectual disability, Turner type; Intellectual disability, X-linked syndromic, Turner type. Identifiers: Orphanet 3056, Orphanet 85328, MedGen C2678046, MONDO:0010407, OMIM 309590.

Submission:

MVZ Medizinische Genetik Mainz
Classification: Uncertain significance for Intellectual developmental disorder, X-linked, syndromic, Turner type. Last evaluated: 2023-05-24. Review status: criteria provided, single submitter. Criteria: UK Practice Guidelines For Variant Classification V4 01 2020. Collection method: clinical testing. Allele origin: germline. Inheritance: X-linked dominant inheritance. Affected: yes. Observed: 1 variant allele.
Comment: ACMG Criteria: PM2_SUP,PP2